The following is an entry in ClinVar:

ClinVar aggregate classification (germline): Uncertain significance (1 of 4 stars; one submission).

Submission:

Labcorp Genetics (formerly Invitae), Labcorp
Classification: Uncertain significance. Last evaluated: 2021-04-09. Review status: criteria provided, single submitter. Criteria: Invitae Variant Classification Sherloc (09022015). Collection method: clinical testing. Allele origin: germline.
Comment: In summary, the available evidence is currently insufficient to determine the role of this variant in disease. Therefore, it has been classified as a Variant of Uncertain Significance. Algorithms developed to predict the effect of missense changes on protein structure and function are either unavailable or do not agree on the potential impact of this missense change (SIFT: "Tolerated"; PolyPhen-2: "Probably Damaging"; Align-GVGD: "Class C0"). This variant has not been reported in the literature in individuals with AVPR2-related conditions. This variant is not present in population databases (ExAC no frequency). This sequence change replaces glutamine with proline at codon 225 of the AVPR2 protein (p.Gln225Pro). The glutamine residue is highly conserved and there is a moderate physicochemical difference between glutamine and proline.

NM_000054.7(AVPR2):c.674A>C (p.Gln225Pro)

Gene: AVPR2 (arginine vasopressin receptor 2; plus strand). Cytogenetic location: Xq28.
Variant type: single nucleotide variant.
Coding change: c.674A>C on transcript NM_000054.7 (MANE Select); coding-DNA position 674, A replaced by C.
Protein change: p.Gln225Pro; replaces glutamine 225 with proline.
Molecular consequence: missense variant. On other transcripts: non-coding transcript variant (1).
Genome position (GRCh38, 1-based): chrX:153,906,180, A>C. VCF-style: chrX-153906180-A-C. GRCh37 (hg19) VCF-style: chrX-153171634-A-C.
Other names: c.674A>C, p.Gln225Pro (NM_001146151.3); short protein forms Q225P.
Identifiers: ClinVar variation 1386192 (VCV001386192.6), dbSNP rs2148514753, ClinGen allele CA415108270.